The following is an entry in ClinVar:

ClinVar aggregate classification (germline): Uncertain significance (1 of 4 stars; one submission).

Submission:

Mayo Clinic Laboratories, Mayo Clinic
Classification: Uncertain significance. Last evaluated: 2024-12-31. Review status: criteria provided, single submitter. Criteria: ACMG Guidelines, 2015. Collection method: clinical testing. Allele origin: germline. Observed: 1 variant allele.
Comment: PP2, PP3_moderate, PM2_supporting, PM5

NM_000217.3(KCNA1):c.784A>G (p.Ile262Val)

Gene: KCNA1 (potassium voltage-gated channel subfamily A member 1; plus strand). Cytogenetic location: 12p13.32.
Variant type: single nucleotide variant.
Coding change: c.784A>G on transcript NM_000217.3 (MANE Select); coding-DNA position 784, A replaced by G.
Protein change: p.Ile262Val; replaces isoleucine 262 with valine.
Molecular consequence: missense variant.
Genome position (GRCh38, 1-based): chr12:4,912,162, A>G. VCF-style: chr12-4912162-A-G. GRCh37 (hg19) VCF-style: chr12-5021328-A-G.
Other names: p.Ile262Val; short protein forms I262V.
Identifiers: ClinVar variation 4541676 (VCV004541676.1).
Genomic context (GRCh38, chr12:4,912,162, plus strand): 5'-GCCTGCCCCAGCAAGACGGACTTCTTCAAAAACATCATGAACTTCATAGACATTGTGGCC[A>G]TCATTCCTTATTTCATCACGCTGGGCACCGAGATAGCTGAGCAGGAAGGAAACCAGAAGG-3'
Protein context (NP_000208.2, residues 252-272): NIMNFIDIVA[Ile262Val]IPYFITLGTE